The following is an entry in ClinVar:

NM_001040142.2(SCN2A):c.1396_1401dup (p.Ala466_Ala467dup)

Gene: SCN2A (sodium voltage-gated channel alpha subunit 2; plus strand). Cytogenetic location: 2q24.3.
Variant type: Duplication.
Coding change: c.1396_1401dup on transcript NM_001040142.2 (MANE Select); coding-DNA positions 1396 to 1401, 6 bases duplicated (GCCGCA; older notation c.1396_1401dupGCCGCA).
Protein change: p.Ala466_Ala467dup.
Molecular consequence: inframe insertion.
Genome position (GRCh38, 1-based): chr2:165,315,483-165,315,488, GCCGCA duplicated; duplicating any 6 consecutive bases within chr2:165,315,480-165,315,488 gives the same sequence; the c. name uses the placement nearest the transcript's 3' end. VCF-style (leftmost placement, unchanged base first): chr2-165315479-T-TGCAGCC. GRCh37 (hg19) VCF-style: chr2-166171989-T-TGCAGCC.
Other names: c.1396_1401dup, p.Ala466_Ala467dup (NM_001040143.2, NM_001371246.1, NM_001371247.1 and 1 more transcripts).
Identifiers: ClinVar variation 836884 (VCV000836884.14), dbSNP rs754615123, ClinGen allele CA1939817.

ClinVar aggregate classification (germline): Uncertain significance. Review status: criteria provided, multiple submitters, no conflicts (2 of 4 stars). 4 submissions from 4 submitters: Uncertain significance (4). Last evaluated 2025-10-05.

Conditions:
Developmental and epileptic encephalopathy, 11 (DEE11). Also called: Early infantile epileptic encephalopathy 11. Identifiers: Orphanet 1934, MedGen C3150987, MONDO:0013388, OMIM 613721.
Seizures, benign familial infantile, 3 (BFIS3). Also called: Familial neonatal seizures; CONVULSIONS, BENIGN FAMILIAL INFANTILE, 3. Identifiers: Orphanet 140927, Orphanet 306, MedGen C1843140, MONDO:0011904, OMIM 607745.

Submissions (4):

Labcorp Genetics (formerly Invitae), Labcorp
Classification: Uncertain significance for Seizures, benign familial infantile, 3; Developmental and epileptic encephalopathy, 11. Last evaluated: 2025-10-05. Review status: criteria provided, single submitter. Criteria: Invitae Variant Classification Sherloc (09022015). Collection method: clinical testing. Allele origin: germline.
Comment: This variant, c.1396_1401dup, results in the insertion of 2 amino acid(s) of the SCN2A protein (p.Ala466_Ala467dup), but otherwise preserves the integrity of the reading frame. This variant is present in population databases (rs754615123, gnomAD 0.02%). This variant has not been reported in the literature in individuals affected with SCN2A-related conditions. ClinVar contains an entry for this variant (Variation ID: 836884). In summary, the available evidence is currently insufficient to determine the role of this variant in disease. Therefore, it has been classified as a Variant of Uncertain Significance.

GeneDx
Classification: Uncertain significance. Last evaluated: 2023-04-06. Review status: criteria provided, single submitter. Criteria: GeneDx Variant Classification Process June 2021. Collection method: clinical testing. Allele origin: germline. Affected: yes.
Comment: In-frame insertion of 2 amino acids in a non-repeat region; Has not been previously published as pathogenic or benign to our knowledge; This substitution is predicted to be within the cytoplasmic loop between the first and second homologous domains

Revvity Omics, Revvity
Classification: Uncertain significance. Last evaluated: 2022-10-26. Review status: criteria provided, single submitter. Criteria: ACMG Guidelines, 2015. Collection method: clinical testing. Allele origin: germline.

Neuberg Centre For Genomic Medicine, NCGM
Classification: Uncertain significance for Developmental and epileptic encephalopathy, 11. Review status: criteria provided, single submitter. Criteria: ACMG Guidelines, 2015. Collection method: clinical testing. Allele origin: germline. Inheritance: Autosomal dominant inheritance. Affected: yes.
Comment: The observed inframe insertion variant c.1396_1401dup(p.Ala466_Ala467dup) in SCN2A gene has not been reported previously as a pathogenic variant nor as a benign variant, to our knowledge. This variant is reported with the allele frequency of 0.002% in the gnomAD Exomes. This variant has been reported to the ClinVar database as Uncertain Significance. However, no details are available for independent assessment. This variant p.Ala466_Ala467dup causes duplication of amino acid Alanine at position 466 and Alanine at position 467. For these reasons, this variant has been classified as Uncertain Significance.